The following is an entry in ClinVar:

NM_030665.4(RAI1):c.3920G>C (p.Arg1307Pro)

Gene: RAI1 (retinoic acid induced 1; plus strand). Cytogenetic location: 17p11.2.
Variant type: single nucleotide variant.
Coding change: c.3920G>C on transcript NM_030665.4 (MANE Select); coding-DNA position 3920, G replaced by C.
Protein change: p.Arg1307Pro; replaces arginine 1307 with proline.
Molecular consequence: missense variant.
Genome position (GRCh38, 1-based): chr17:17,796,868, G>C. VCF-style: chr17-17796868-G-C. GRCh37 (hg19) VCF-style: chr17-17700182-G-C.
Other names: short protein forms R1307P.
Identifiers: ClinVar variation 1521412 (VCV001521412.8), dbSNP rs369260099, ClinGen allele CA398555297.

ClinVar aggregate classification (germline): Uncertain significance (1 of 4 stars; one submission).

Submission:

Labcorp Genetics (formerly Invitae), Labcorp
Classification: Uncertain significance. Last evaluated: 2023-12-11. Review status: criteria provided, single submitter. Criteria: Invitae Variant Classification Sherloc (09022015). Collection method: clinical testing. Allele origin: germline.
Comment: This sequence change replaces arginine, which is basic and polar, with proline, which is neutral and non-polar, at codon 1307 of the RAI1 protein (p.Arg1307Pro). This variant is not present in population databases (gnomAD no frequency). This variant has not been reported in the literature in individuals affected with RAI1-related conditions. ClinVar contains an entry for this variant (Variation ID: 1521412). Advanced modeling of protein sequence and biophysical properties (such as structural, functional, and spatial information, amino acid conservation, physicochemical variation, residue mobility, and thermodynamic stability) performed at Invitae indicates that this missense variant is not expected to disrupt RAI1 protein function with a negative predictive value of 80%. In summary, the available evidence is currently insufficient to determine the role of this variant in disease. Therefore, it has been classified as a Variant of Uncertain Significance.